The following is an entry in ClinVar:

ClinVar aggregate classification (germline): Uncertain significance (1 of 4 stars; one submission).

Conditions:
Hypoplastic left heart syndrome. Also called: Hypoplastic left ventricle; Hypoplastic left heart. Identifiers: Orphanet 2248, MedGen C0152101, MONDO:0004933, HP:0004383.

Submission:

Labcorp Genetics (formerly Invitae), Labcorp
Classification: Uncertain significance for Hypoplastic left heart syndrome. Last evaluated: 2025-02-21. Review status: criteria provided, single submitter. Criteria: Invitae Variant Classification Sherloc (09022015). Collection method: clinical testing. Allele origin: germline.
Comment: This sequence change replaces proline, which is neutral and non-polar, with serine, which is neutral and polar, at codon 57 of the HAND1 protein (p.Pro57Ser). This variant is not present in population databases (gnomAD no frequency). This variant has not been reported in the literature in individuals affected with HAND1-related conditions. An algorithm developed to predict the effect of missense changes on protein structure and function outputs the following: PolyPhen-2: "Benign". The serine amino acid residue is found in multiple mammalian species, which suggests that this missense change does not adversely affect protein function. In summary, the available evidence is currently insufficient to determine the role of this variant in disease. Therefore, it has been classified as a Variant of Uncertain Significance.

NM_004821.3(HAND1):c.169C>T (p.Pro57Ser)

Gene: HAND1 (heart and neural crest derivatives expressed 1; minus strand). Cytogenetic location: 5q33.2.
Variant type: single nucleotide variant.
Coding change: c.169C>T on transcript NM_004821.3 (MANE Select); coding-DNA position 169, C replaced by T.
Protein change: p.Pro57Ser; replaces proline 57 with serine.
Molecular consequence: missense variant.
Genome position (GRCh38, 1-based): chr5:154,477,840, G>A on the plus strand (C>T on the coding strand, the complement: HAND1 is on the minus strand). VCF-style: chr5-154477840-G-A. GRCh37 (hg19) VCF-style: chr5-153857400-G-A.
Other names: short protein forms P57S.
Identifiers: ClinVar variation 4759646 (VCV004759646.1).